The following is an entry in ClinVar:

NM_014875.3(KIF14):c.1897T>C (p.Leu633=)

Gene: KIF14 (kinesin family member 14; minus strand). Cytogenetic location: 1q32.1.
Variant type: single nucleotide variant.
Coding change: c.1897T>C on transcript NM_014875.3 (MANE Select); coding-DNA position 1897, T replaced by C.
Protein change: p.Leu633=; no amino-acid change (leucine 633 retained).
Molecular consequence: synonymous variant.
Genome position (GRCh38, 1-based): chr1:200,603,308, A>G on the plus strand (T>C on the coding strand, the complement: KIF14 is on the minus strand). VCF-style: chr1-200603308-A-G. GRCh37 (hg19) VCF-style: chr1-200572436-A-G.
Other names: c.424T>C, p.Leu142= (NM_001305792.1).
Identifiers: ClinVar variation 3026996 (VCV003026996.22), dbSNP rs1198514680, ClinGen allele CA422686071.

ClinVar aggregate classification (germline): Likely benign (1 of 4 stars; one submission).

Allele frequency attached by ClinVar (database versions not stated): gnomAD exomes below 0.00001; TOPMed below 0.00001; gnomAD 0.00001.
gnomAD v4.1: 6 of 1,608,750 alleles (0.00037%); highest among the groups gnomAD compares: Non-Finnish European, 0.00051%; no homozygotes.

Submission:

CeGaT Center for Human Genetics Tuebingen
Classification: Likely benign. Last evaluated: 2024-01-01. Review status: criteria provided, single submitter. Criteria: CeGaT Center For Human Genetics Tuebingen Variant Classification Criteria Version 2. Collection method: clinical testing. Allele origin: germline. Affected: yes. Observed: 1 variant allele.
Comment: KIF14: BP4, BP7